The following is an entry in ClinVar:

ClinVar aggregate classification (germline): Uncertain significance. Review status: criteria provided, multiple submitters, no conflicts (2 of 4 stars). 2 submissions from 2 submitters: Uncertain significance (2). Last evaluated 2024-10-26.

Allele frequency attached by ClinVar (database versions not stated): gnomAD 0.00002; TOPMed 0.00002.
gnomAD v4.1: 21 of 1,565,210 alleles (0.0013%); highest among the groups gnomAD compares: Non-Finnish European, 0.0017%; no homozygotes.

Submissions (2):

Labcorp Genetics (formerly Invitae), Labcorp
Classification: Uncertain significance. Last evaluated: 2024-10-26. Review status: criteria provided, single submitter. Criteria: Invitae Variant Classification Sherloc (09022015). Collection method: clinical testing. Allele origin: germline.
Comment: This sequence change replaces threonine, which is neutral and polar, with methionine, which is neutral and non-polar, at codon 6 of the GPR45 protein (p.Thr6Met). This variant is present in population databases (rs770837246, gnomAD 0.003%). This variant has not been reported in the literature in individuals affected with GPR45-related conditions. ClinVar contains an entry for this variant (Variation ID: 2177107). An algorithm developed to predict the effect of missense changes on protein structure and function (PolyPhen-2) suggests that this variant is likely to be disruptive. In summary, the available evidence is currently insufficient to determine the role of this variant in disease. Therefore, it has been classified as a Variant of Uncertain Significance.

Ambry Genetics
Classification: Uncertain significance. Last evaluated: 2024-02-13. Review status: criteria provided, single submitter. Criteria: Ambry Variant Classification Scheme 2023. Collection method: clinical testing. Allele origin: germline.

NM_007227.3(GPR45):c.17C>T (p.Thr6Met)

Gene: GPR45 (G protein-coupled receptor 45; plus strand). Cytogenetic location: 2q12.1.
Variant type: single nucleotide variant.
Coding change: c.17C>T on transcript NM_007227.3 (MANE Select); coding-DNA position 17, C replaced by T.
Protein change: p.Thr6Met; replaces threonine 6 with methionine.
Molecular consequence: missense variant.
Genome position (GRCh38, 1-based): chr2:105,241,875, C>T. VCF-style: chr2-105241875-C-T. GRCh37 (hg19) VCF-style: chr2-105858332-C-T.
Other names: short protein forms T6M.
Identifiers: ClinVar variation 2177107 (VCV002177107.5), dbSNP rs770837246, ClinGen allele CA1813503.